The following is an entry in ClinVar:

NM_004438.5(EPHA4):c.289G>T (p.Val97Leu)

Gene: EPHA4 (EPH receptor A4; minus strand). Cytogenetic location: 2q36.1.
Variant type: single nucleotide variant.
Coding change: c.289G>T on transcript NM_004438.5 (MANE Select); coding-DNA position 289, G replaced by T.
Protein change: p.Val97Leu; replaces valine 97 with leucine.
Molecular consequence: missense variant.
Genome position (GRCh38, 1-based): chr2:221,564,265, C>A on the plus strand (G>T on the coding strand, the complement: EPHA4 is on the minus strand). VCF-style: chr2-221564265-C-A. GRCh37 (hg19) VCF-style: chr2-222428985-C-A.
Other names: c.289G>T, p.Val97Leu (NM_001304536.2, NM_001363748.2); c.136G>T, p.Val46Leu (NM_001304537.2); c.289G>T (NM_004438.3); short protein forms V46L, V97L.
Identifiers: ClinVar variation 1358307 (VCV001358307.10), dbSNP rs144149406, ClinGen allele CA2135263.

ClinVar aggregate classification (germline): Uncertain significance. Review status: criteria provided, multiple submitters, no conflicts (2 of 4 stars). 2 submissions from 2 submitters: Uncertain significance (2). Last evaluated 2025-06-12.

Allele frequency attached by ClinVar (database versions not stated): gnomAD exomes 0.00002 and 0.00005; ExAC 0.00007; ESP Exome Variant Server 0.00015; 1000 Genomes Project 30x 0.00016; 1000 Genomes Project 0.00020; gnomAD 0.00034 and 0.00039; TOPMed 0.00038.
gnomAD v4.1: 89 of 1,614,160 alleles (0.0055%); highest among the groups gnomAD compares: African/African-American, 0.11%; no homozygotes.

Submissions (2):

Labcorp Genetics (formerly Invitae), Labcorp
Classification: Uncertain significance. Last evaluated: 2025-06-12. Review status: criteria provided, single submitter. Criteria: Invitae Variant Classification Sherloc (09022015). Collection method: clinical testing. Allele origin: germline.
Comment: This sequence change replaces valine, which is neutral and non-polar, with leucine, which is neutral and non-polar, at codon 97 of the EPHA4 protein (p.Val97Leu). This variant is present in population databases (rs144149406, gnomAD 0.08%), and has an allele count higher than expected for a pathogenic variant. This variant has not been reported in the literature in individuals affected with EPHA4-related conditions. ClinVar contains an entry for this variant (Variation ID: 1358307). Invitae Evidence Modeling of protein sequence and biophysical properties (such as structural, functional, and spatial information, amino acid conservation, physicochemical variation, residue mobility, and thermodynamic stability) indicates that this missense variant is not expected to disrupt EPHA4 protein function with a negative predictive value of 80%. In summary, the available evidence is currently insufficient to determine the role of this variant in disease. Therefore, it has been classified as a Variant of Uncertain Significance.

Ambry Genetics
Classification: Uncertain significance. Last evaluated: 2025-03-09. Review status: criteria provided, single submitter. Criteria: Ambry Variant Classification Scheme 2023. Collection method: clinical testing. Allele origin: germline.